The following is an entry in ClinVar:

ClinVar aggregate classification (germline): Uncertain significance (1 of 4 stars; one submission).

Allele frequency attached by ClinVar (database versions not stated): gnomAD exomes below 0.00001.
gnomAD v4.1: 1 of 1,614,072 alleles (0.000062%); highest among the groups gnomAD compares: Non-Finnish European, 0.000085%; no homozygotes.

Submission:

Labcorp Genetics (formerly Invitae), Labcorp
Classification: Uncertain significance. Last evaluated: 2023-11-26. Review status: criteria provided, single submitter. Criteria: Invitae Variant Classification Sherloc (09022015). Collection method: clinical testing. Allele origin: germline.
Comment: This sequence change replaces tyrosine, which is neutral and polar, with cysteine, which is neutral and slightly polar, at codon 1899 of the C2CD3 protein (p.Tyr1899Cys). This variant is not present in population databases (gnomAD no frequency). This variant has not been reported in the literature in individuals affected with C2CD3-related conditions. Advanced modeling of protein sequence and biophysical properties (such as structural, functional, and spatial information, amino acid conservation, physicochemical variation, residue mobility, and thermodynamic stability) performed at Invitae indicates that this missense variant is expected to disrupt C2CD3 protein function with a positive predictive value of 80%. In summary, the available evidence is currently insufficient to determine the role of this variant in disease. Therefore, it has been classified as a Variant of Uncertain Significance.

NM_001286577.2(C2CD3):c.5696A>G (p.Tyr1899Cys)

Genes: C2CD3 (C2 domain containing 3 centriole elongation regulator; minus strand), LOC126861262 (CDK7 strongly-dependent group 2 enhancer GRCh37_chr11:73747696-73748895; plus strand). Cytogenetic location: 11q13.4.
Variant type: single nucleotide variant.
Coding change: c.5696A>G on transcript NM_001286577.2 (MANE Select); coding-DNA position 5696, A replaced by G.
Protein change: p.Tyr1899Cys; replaces tyrosine 1899 with cysteine.
Molecular consequence: missense variant.
Genome position (GRCh38, 1-based): chr11:74,037,663, T>C on the plus strand (A>G on the coding strand, the complement: C2CD3 is on the minus strand). VCF-style: chr11-74037663-T-C. GRCh37 (hg19) VCF-style: chr11-73748708-T-C.
Other names: c.5696A>G, p.Tyr1899Cys (NM_015531.6); short protein forms Y1899C.
Identifiers: ClinVar variation 2910279 (VCV002910279.3), dbSNP rs1952807687, ClinGen allele CA381823425.
Genomic context (GRCh38, chr11:74,037,663, plus strand): 5'-ATGGCCGTTTGAGTCTGAGGGCTGAGGGGTAGGAAAGGCTTGGTGAGCTTCTGGCGGAAG[T>C]ACCTCTGAATCTGATCAAGCTCACTCAGATTCTTCCTATAAACAAAAGGGGGAGAAGAAG-3'
Protein context (NP_001273506.1, residues 1889-1909): NLSELDQIQR[Tyr1899Cys]FRQKLTKPFL